The following is an entry in ClinVar:

NM_003106.4(SOX2):c.687G>T (p.Gln229His)

Genes: SOX2-OT (SOX2 overlapping transcript; plus strand), SOX2 (SRY-box transcription factor 2; plus strand). Cytogenetic location: 3q26.33.
Variant type: single nucleotide variant.
Coding change: c.687G>T on transcript NM_003106.4 (MANE Select); coding-DNA position 687, G replaced by T.
Protein change: p.Gln229His; replaces glutamine 229 with histidine.
Molecular consequence: missense variant.
Genome position (GRCh38, 1-based): chr3:181,713,047, G>T. VCF-style: chr3-181713047-G-T. GRCh37 (hg19) VCF-style: chr3-181430835-G-T.
Other names: short protein forms Q229H.
Identifiers: ClinVar variation 2503386 (VCV002503386.1), dbSNP rs2108523127, ClinGen allele CA355474440.

ClinVar aggregate classification (germline): Uncertain significance (1 of 4 stars; one submission).

gnomAD v4.1: 1 of 1,613,800 alleles (0.000062%); highest among the groups gnomAD compares: Non-Finnish European, 0.000085%; no homozygotes.

Submission:

GeneDx
Classification: Uncertain significance. Last evaluated: 2022-11-29. Review status: criteria provided, single submitter. Criteria: GeneDx Variant Classification Process June 2021. Collection method: clinical testing. Allele origin: germline. Affected: yes.
Comment: Not observed at significant frequency in large population cohorts (gnomAD); In silico analysis supports that this missense variant does not alter protein structure/function; Has not been previously published as pathogenic or benign to our knowledge